The following is an entry in ClinVar:

ClinVar aggregate classification (germline): Uncertain significance (1 of 4 stars; one submission).

Conditions:
Hereditary cancer-predisposing syndrome. Also called: Tumor predisposition; Neoplastic Syndromes, Hereditary; Hereditary neoplastic syndrome; Hereditary Cancer Syndrome. Identifiers: Orphanet 140162, MedGen C0027672, MeSH D009386, MONDO:0015356.

Submission:

Color Diagnostics, LLC DBA Color Health
Classification: Uncertain significance for Hereditary cancer-predisposing syndrome. Last evaluated: 2019-11-22. Review status: criteria provided, single submitter. Criteria: ACMG Guidelines, 2015. Collection method: clinical testing. Allele origin: germline.
Comment: This missense variant replaces glutamic acid with valine at codon 2807 of the ATM protein. Computational prediction suggests that this variant may not impact protein structure and function (internally defined REVEL score threshold <= 0.5, PMID: 27666373). Splice site prediction tools suggest that this variant may not impact RNA splicing. To our knowledge, functional studies have not been performed for this variant. This variant has not been reported in individuals affected with hereditary cancer in the literature. This variant has not been identified in the general population by the Genome Aggregation Database (gnomAD). The available evidence is insufficient to determine the role of this variant in disease conclusively. Therefore, this variant is classified as a Variant of Uncertain Significance.

NM_000051.4(ATM):c.8420A>T (p.Glu2807Val)

Genes: ATM (ATM serine/threonine kinase; plus strand), C11orf65 (chromosome 11 open reading frame 65; minus strand). Cytogenetic location: 11q22.3.
Variant type: single nucleotide variant.
Coding change: c.8420A>T on transcript NM_000051.4 (MANE Select); coding-DNA position 8420, A replaced by T.
Protein change: p.Glu2807Val; replaces glutamic acid 2807 with valine.
Molecular consequence: missense variant. On other transcripts: intron variant (2).
Genome position (GRCh38, 1-based): chr11:108,345,744, A>T. VCF-style: chr11-108345744-A-T. GRCh37 (hg19) VCF-style: chr11-108216471-A-T.
Other names: c.8420A>T, p.Glu2807Val (NM_001351834.2); c.641-36673T>A (NM_001330368.2); c.695-10452T>A (NM_001351110.2); short protein forms E2807V.
Identifiers: ClinVar variation 924954 (VCV000924954.5), dbSNP rs2088262504, ClinGen allele CA382517715.